The following is an entry in ClinVar:

NM_000071.3(CBS):c.808G>A (p.Glu270Lys)

Gene: CBS (cystathionine beta-synthase; minus strand). Cytogenetic location: 21q22.3.
Variant type: single nucleotide variant.
Coding change: c.808G>A on transcript NM_000071.3 (MANE Select); coding-DNA position 808, G replaced by A.
Protein change: p.Glu270Lys; replaces glutamic acid 270 with lysine.
Molecular consequence: missense variant.
Genome position (GRCh38, 1-based): chr21:43,063,920, C>T on the plus strand (G>A on the coding strand, the complement: CBS is on the minus strand). VCF-style: chr21-43063920-C-T. GRCh37 (hg19) VCF-style: chr21-44484030-C-T.
Other names: c.808G>A, p.Glu270Lys (NM_001178008.3, NM_001178009.3, NM_001320298.2); c.493G>A, p.Glu165Lys (NM_001321072.1); short protein forms E270K, E165K.
Identifiers: ClinVar variation 2166885 (VCV002166885.3), dbSNP rs1337180584, ClinGen allele CA410600252.

ClinVar aggregate classification (germline): Uncertain significance. Review status: criteria provided, multiple submitters, no conflicts (2 of 4 stars). 2 submissions from 2 submitters: Uncertain significance (2). Last evaluated 2026-02-02.

Conditions:
Familial thoracic aortic aneurysm and aortic dissection (TAAD). Also called: Thoracic aortic aneurysms and dissections. Identifiers: Orphanet 91387, MedGen C4707243, MONDO:0019625.
HYPERHOMOCYSTEINEMIA, THROMBOTIC, CBS-RELATED. Identifiers: MedGen C3150344, OMIM 236200.

Submissions (2):

Labcorp Genetics (formerly Invitae), Labcorp
Classification: Uncertain significance for HYPERHOMOCYSTEINEMIA, THROMBOTIC, CBS-RELATED. Last evaluated: 2026-02-02. Review status: criteria provided, single submitter. Criteria: Invitae Variant Classification Sherloc (09022015). Collection method: clinical testing. Allele origin: germline.
Comment: This sequence change replaces glutamic acid, which is acidic and polar, with lysine, which is basic and polar, at codon 270 of the CBS protein (p.Glu270Lys). The frequency data for this variant in the population databases is considered unreliable, as metrics indicate poor data quality at this position in the gnomAD database. This variant has not been reported in the literature in individuals affected with CBS-related conditions. ClinVar contains an entry for this variant (Variation ID: 2166885). Invitae Evidence Modeling of protein sequence and biophysical properties (such as structural, functional, and spatial information, amino acid conservation, physicochemical variation, residue mobility, and thermodynamic stability) indicates that this missense variant is expected to disrupt CBS protein function with a positive predictive value of 95%. In summary, the available evidence is currently insufficient to determine the role of this variant in disease. Therefore, it has been classified as a Variant of Uncertain Significance.

Ambry Genetics
Classification: Uncertain significance for Familial thoracic aortic aneurysm and aortic dissection. Last evaluated: 2025-02-19. Review status: criteria provided, single submitter. Criteria: Ambry Variant Classification Scheme 2023. Collection method: clinical testing. Allele origin: germline.
Comment: The p.E270K variant (also known as c.808G>A), located in coding exon 7 of the CBS gene, results from a G to A substitution at nucleotide position 808. The glutamic acid at codon 270 is replaced by lysine, an amino acid with similar properties. This amino acid position is highly conserved in available vertebrate species. In addition, the in silico prediction for this alteration is inconclusive. Based on the available evidence, the clinical significance of this variant remains unclear.